The following is an entry in ClinVar:

NM_015910.7(WDPCP):c.841C>T (p.Arg281Cys)

Gene: WDPCP (WD repeat containing planar cell polarity effector; minus strand). Cytogenetic location: 2p15.
Variant type: single nucleotide variant.
Coding change: c.841C>T on transcript NM_015910.7 (MANE Select); coding-DNA position 841, C replaced by T.
Protein change: p.Arg281Cys; replaces arginine 281 with cysteine.
Molecular consequence: missense variant. On other transcripts: non-coding transcript variant (3).
Genome position (GRCh38, 1-based): chr2:63,404,642, G>A on the plus strand (C>T on the coding strand, the complement: WDPCP is on the minus strand). VCF-style: chr2-63404642-G-A. GRCh37 (hg19) VCF-style: chr2-63631777-G-A.
Other names: c.364C>T, p.Arg122Cys (NM_001042692.3); c.769C>T, p.Arg257Cys (NM_001354044.2); c.841C>T, p.Arg281Cys (NM_001354045.2); c.841C>T (NM_015910.5); short protein forms R122C, R257C, R281C.
Identifiers: ClinVar variation 1054408 (VCV001054408.8), dbSNP rs747564290, ClinGen allele CA1682323.

ClinVar aggregate classification (germline): Uncertain significance. Review status: criteria provided, multiple submitters, no conflicts (2 of 4 stars). 3 submissions from 3 submitters: Uncertain significance (3). Last evaluated 2026-09-03.

Conditions:
Bardet-Biedl syndrome 15 (BBS15). Identifiers: Orphanet 110, MedGen C3150127, MONDO:0014443, OMIM 615992.
Heart defect - tongue hamartoma - polysyndactyly syndrome. Also called: Congenital heart defects, hamartomas of tongue, and polysyndactyly. Identifiers: Orphanet 1338, MedGen C1857587, MONDO:0009008, OMIM 217085.
WDPCP-related disorder. Also called: WDPCP-related condition.
Bardet-Biedl syndrome (BBS). Identifiers: Orphanet 110, MedGen C0752166, MONDO:0015229.

Allele frequency attached by ClinVar (database versions not stated): ExAC 0.00001; gnomAD exomes 0.00001 and 0.00003; gnomAD 0.00003; TOPMed 0.00004.
gnomAD v4.1: 20 of 1,613,840 alleles (0.0012%); highest among the groups gnomAD compares: South Asian, 0.0077%; no homozygotes.

Submissions (3):

PreventionGenetics, part of Exact Sciences
Classification: Uncertain significance for WDPCP-related condition. Last evaluated: 2026-09-03. Review status: criteria provided, single submitter. Criteria: ACMG Guidelines, 2015. Collection method: clinical testing. Allele origin: germline.
Comment: The WDPCP c.841C>T variant is predicted to result in the amino acid substitution p.Arg281Cys. To our knowledge, this variant has not been reported in the literature. This variant is reported in 0.021% of alleles in individuals of East Asian descent in gnomAD. At this time, the clinical significance of this variant is uncertain due to the absence of conclusive functional and genetic evidence.

Labcorp Genetics (formerly Invitae), Labcorp
Classification: Uncertain significance for Bardet-Biedl syndrome. Last evaluated: 2022-08-10. Review status: criteria provided, single submitter. Criteria: Invitae Variant Classification Sherloc (09022015). Collection method: clinical testing. Allele origin: germline.
Comment: This sequence change replaces arginine, which is basic and polar, with cysteine, which is neutral and slightly polar, at codon 281 of the WDPCP protein (p.Arg281Cys). This variant is present in population databases (rs747564290, gnomAD 0.02%). This variant has not been reported in the literature in individuals affected with WDPCP-related conditions. ClinVar contains an entry for this variant (Variation ID: 1054408). Algorithms developed to predict the effect of missense changes on protein structure and function are either unavailable or do not agree on the potential impact of this missense change (SIFT: "Deleterious"; PolyPhen-2: "Probably Damaging"; Align-GVGD: "Class C15"). In summary, the available evidence is currently insufficient to determine the role of this variant in disease. Therefore, it has been classified as a Variant of Uncertain Significance.

Fulgent Genetics
Classification: Uncertain significance for Heart defect - tongue hamartoma - polysyndactyly syndrome; Bardet-Biedl syndrome 15. Last evaluated: 2022-05-26. Review status: criteria provided, single submitter. Criteria: ACMG Guidelines, 2015. Collection method: clinical testing. Allele origin: unknown.